The following is an entry in ClinVar:

ClinVar aggregate classification (germline): Uncertain significance (1 of 4 stars; one submission).

gnomAD v4.1: 1 of 1,613,886 alleles (0.000062%); highest among the groups gnomAD compares: Non-Finnish European, 0.000085%; no homozygotes.

Submission:

GeneDx
Classification: Uncertain significance. Last evaluated: 2024-05-01. Review status: criteria provided, single submitter. Criteria: GeneDx Variant Classification Process June 2021. Collection method: clinical testing. Allele origin: germline. Affected: yes.
Comment: Not observed at significant frequency in large population cohorts (gnomAD); In silico analysis supports that this missense variant has a deleterious effect on protein structure/function; Has not been previously published as pathogenic or benign to our knowledge

NM_006494.4(ERF):c.985C>T (p.Arg329Cys)

Gene: ERF (ETS2 repressor factor; minus strand). Cytogenetic location: 19q13.2.
Variant type: single nucleotide variant.
Coding change: c.985C>T on transcript NM_006494.4 (MANE Select); coding-DNA position 985, C replaced by T.
Protein change: p.Arg329Cys; replaces arginine 329 with cysteine.
Molecular consequence: missense variant.
Genome position (GRCh38, 1-based): chr19:42,249,127, G>A on the plus strand (C>T on the coding strand, the complement: ERF is on the minus strand). VCF-style: chr19-42249127-G-A. GRCh37 (hg19) VCF-style: chr19-42753279-G-A.
Other names: c.760C>T, p.Arg254Cys (NM_001301035.2, NM_001308402.2, NM_001312656.2); short protein forms R254C, R329C.
Identifiers: ClinVar variation 3373213 (VCV003373213.1).